The following is an entry in ClinVar:

NM_006206.6(PDGFRA):c.1281A>T (p.Ser427=)

Gene: PDGFRA (platelet derived growth factor receptor alpha; plus strand). Cytogenetic location: 4q12.
Variant type: single nucleotide variant.
Coding change: c.1281A>T on transcript NM_006206.6 (MANE Select); coding-DNA position 1281, A replaced by T.
Protein change: p.Ser427=; no amino-acid change (serine 427 retained).
Molecular consequence: synonymous variant.
Genome position (GRCh38, 1-based): chr4:54,272,437, A>T. VCF-style: chr4-54272437-A-T. GRCh37 (hg19) VCF-style: chr4-55138604-A-T.
Other names: c.1281A>T, p.Ser427= (NM_001347827.2, NM_001347829.2); c.1356A>T, p.Ser452= (NM_001347828.2); c.1320A>T, p.Ser440= (NM_001347830.2).
Identifiers: ClinVar variation 818784 (VCV000818784.14), dbSNP rs1409688387, ClinGen allele CA439286915.
Genomic context (GRCh38, chr4:54,272,437, plus strand): 5'-CTTTCTGCCTCTTGCAGTTCCTTCATCCATTCTGGACTTGGTCGATGATCACCATGGCTC[A>T]ACTGGGGGACAGACGGTGAGGTGCACAGCTGAAGGCACGCCGCTTCCTGATATTGAGTGG-3'
Protein context (NP_006197.1, residues 417-437): ILDLVDDHHG[Ser427=]TGGQTVRCTA

ClinVar aggregate classification (germline): Benign/Likely benign. Review status: criteria provided, multiple submitters, no conflicts (2 of 4 stars). 3 submissions from 3 submitters: Benign (1); Likely benign (2). Last evaluated 2026-06-17.

Conditions:
Hereditary cancer-predisposing syndrome. Also called: Neoplastic Syndromes, Hereditary; Hereditary Cancer Syndrome; Hereditary neoplastic syndrome; Tumor predisposition. Identifiers: Orphanet 140162, MedGen C0027672, MeSH D009386, MONDO:0015356.
Polyps, multiple and recurrent inflammatory fibroid, gastrointestinal. Identifiers: MedGen C5193005, MONDO:0008285, OMIM 175510.
Gastrointestinal stromal tumor. Also called: Gastrointestinal stromal tumor, somatic; Gastrointestinal stroma tumor. Identifiers: Orphanet 44890, MedGen C0238198, MeSH D046152, MONDO:0011719, OMIM 606764, HP:0100723.

Allele frequency attached by ClinVar (database versions not stated): gnomAD exomes below 0.00001; TOPMed below 0.00001; gnomAD 0.00001.
gnomAD v4.1: 4 of 1,613,870 alleles (0.00025%); highest among the groups gnomAD compares: Admixed American, 0.0017%; no homozygotes.

Submissions (3):

Myriad Genetics, Inc.
Classification: Benign for Polyps, multiple and recurrent inflammatory fibroid, gastrointestinal. Last evaluated: 2026-06-17. Review status: criteria provided, single submitter. Criteria: Myriad Autosomal Dominant, Autosomal Recessive and X-Linked Classification Criteria (2023). Collection method: clinical testing. Allele origin: unknown.
Comment: This variant is considered benign. This variant is a silent/synonymous amino acid change and it is not expected to impact splicing.

Labcorp Genetics (formerly Invitae), Labcorp
Classification: Likely benign for Gastrointestinal stromal tumor. Last evaluated: 2023-07-22. Review status: criteria provided, single submitter. Criteria: Invitae Variant Classification Sherloc (09022015). Collection method: clinical testing. Allele origin: germline.

Ambry Genetics
Classification: Likely benign for Hereditary cancer-predisposing syndrome. Last evaluated: 2019-10-22. Review status: criteria provided, single submitter. Criteria: Ambry Variant Classification Scheme 2023. Collection method: clinical testing. Allele origin: germline.